The following is an entry in ClinVar:

NM_004304.5(ALK):c.104G>A (p.Gly35Glu)

Gene: ALK (ALK receptor tyrosine kinase; minus strand). Cytogenetic location: 2p23.1.
Variant type: single nucleotide variant.
Coding change: c.104G>A on transcript NM_004304.5 (MANE Select); coding-DNA position 104, G replaced by A.
Protein change: p.Gly35Glu; replaces glycine 35 with glutamic acid.
Molecular consequence: missense variant.
Genome position (GRCh38, 1-based): chr2:29,920,556, C>T on the plus strand (G>A on the coding strand, the complement: ALK is on the minus strand). VCF-style: chr2-29920556-C-T. GRCh37 (hg19) VCF-style: chr2-30143422-C-T.
Other names: short protein forms G35E.
Identifiers: ClinVar variation 1062556 (VCV001062556.12), dbSNP rs766479433, ClinGen allele CA1595047.

ClinVar aggregate classification (germline): Uncertain significance. Review status: criteria provided, multiple submitters, no conflicts (2 of 4 stars). 2 submissions from 2 submitters: Uncertain significance (2). Last evaluated 2026-01-07.

Conditions:
Hereditary cancer-predisposing syndrome. Also called: Tumor predisposition; Neoplastic Syndromes, Hereditary; Hereditary Cancer Syndrome; Hereditary neoplastic syndrome. Identifiers: Orphanet 140162, MedGen C0027672, MeSH D009386, MONDO:0015356.
Neuroblastoma, susceptibility to, 3. Also called: ALK-Related Neuroblastic Tumor Susceptibility. Identifiers: Orphanet 635, MedGen C2751681, MONDO:0013083, OMIM 613014.

Allele frequency attached by ClinVar (database versions not stated): gnomAD exomes below 0.00001; ExAC 0.00001; gnomAD 0.00001.
gnomAD v4.1: 1 of 1,602,264 alleles (0.000062%); highest among the groups gnomAD compares: Non-Finnish European, 0.000085%; no homozygotes.

Submissions (2):

Labcorp Genetics (formerly Invitae), Labcorp
Classification: Uncertain significance for Neuroblastoma, susceptibility to, 3. Last evaluated: 2026-01-07. Review status: criteria provided, single submitter. Criteria: Invitae Variant Classification Sherloc (09022015). Collection method: clinical testing. Allele origin: germline.
Comment: This sequence change replaces glycine, which is neutral and non-polar, with glutamic acid, which is acidic and polar, at codon 35 of the ALK protein (p.Gly35Glu). This variant is present in population databases (rs766479433, gnomAD 0.001%). This variant has not been reported in the literature in individuals affected with ALK-related conditions. ClinVar contains an entry for this variant (Variation ID: 1062556). An algorithm developed to predict the effect of missense changes on protein structure and function outputs the following: PolyPhen-2: "Benign". The glutamic acid amino acid residue is found in multiple mammalian species, which suggests that this missense change does not adversely affect protein function. In summary, the available evidence is currently insufficient to determine the role of this variant in disease. Therefore, it has been classified as a Variant of Uncertain Significance.

Ambry Genetics
Classification: Uncertain significance for Hereditary cancer-predisposing syndrome. Last evaluated: 2025-11-29. Review status: criteria provided, single submitter. Criteria: Ambry Variant Classification Scheme 2023. Collection method: clinical testing. Allele origin: germline.
Comment: The p.G35E variant (also known as c.104G>A), located in coding exon 1 of the ALK gene, results from a G to A substitution at nucleotide position 104. The glycine at codon 35 is replaced by glutamic acid, an amino acid with similar properties. This amino acid position is conserved. In addition, this alteration is predicted to be tolerated by in silico analysis. Since supporting evidence is limited at this time, the clinical significance of this alteration remains unclear.